The following is an entry in ClinVar:

ClinVar aggregate classification (germline): Uncertain significance (0 of 4 stars; one submission).

Conditions:
LEP-related disorder. Also called: LEP-related condition.

Submission:

PreventionGenetics, part of Exact Sciences
Classification: Uncertain significance for LEP-related condition. Last evaluated: 2023-10-31. Review status: no assertion criteria provided. Collection method: clinical testing. Allele origin: germline.
Comment: The LEP c.52_57del6 variant is predicted to result in an in-frame deletion (p.Tyr18_Val19del). To our knowledge, this variant has not been reported in the literature or in a large population database, indicating this variant is rare. At this time, the clinical significance of this variant is uncertain due to the absence of conclusive functional and genetic evidence.

NM_000230.3(LEP):c.52_57del (p.Tyr18_Val19del)

Gene: LEP (leptin; plus strand). Cytogenetic location: 7q32.1.
Variant type: Deletion.
Coding change: c.52_57del on transcript NM_000230.3 (MANE Select); coding-DNA positions 52 to 57, 6 bases deleted (TATGTC; older notation c.52_57delTATGTC).
Protein change: p.Tyr18_Val19del.
Molecular consequence: inframe deletion.
Genome position (GRCh38, 1-based): chr7:128,252,070-128,252,075, TATGTC deleted; deleting any 6 consecutive bases within chr7:128,252,068-128,252,075 gives the same sequence; the c. name uses the placement nearest the transcript's 3' end. VCF-style (leftmost placement, unchanged base first): chr7-128252067-TTCTATG-T. GRCh37 (hg19) VCF-style: chr7-127892120-TTCTATG-T.
Identifiers: ClinVar variation 3348247 (VCV003348247.1).